The following is an entry in ClinVar:

ClinVar aggregate classification (germline): Uncertain significance. Review status: criteria provided, multiple submitters, no conflicts (2 of 4 stars). 2 submissions from 2 submitters: Uncertain significance (2). Last evaluated 2025-01-27.

Conditions:
Dystonia 12 (DYT12). Also called: DYT-ATP1A3; Rapid-Onset Dystonia-Parkinsonism (RDP). Identifiers: Orphanet 71517, MedGen C1868681, MONDO:0007496, OMIM 128235.

Submissions (2):

Labcorp Genetics (formerly Invitae), Labcorp
Classification: Uncertain significance for Dystonia 12. Last evaluated: 2025-01-27. Review status: criteria provided, single submitter. Criteria: Invitae Variant Classification Sherloc (09022015). Collection method: clinical testing. Allele origin: germline.
Comment: This sequence change replaces arginine, which is basic and polar, with serine, which is neutral and polar, at codon 883 of the ATP1A3 protein (p.Arg883Ser). This variant is not present in population databases (gnomAD no frequency). This variant has not been reported in the literature in individuals affected with ATP1A3-related conditions. ClinVar contains an entry for this variant (Variation ID: 2798961). Invitae Evidence Modeling of protein sequence and biophysical properties (such as structural, functional, and spatial information, amino acid conservation, physicochemical variation, residue mobility, and thermodynamic stability) has been performed for this missense variant. However, the output from this modeling did not meet the statistical confidence thresholds required to predict the impact of this variant on ATP1A3 protein function. In summary, the available evidence is currently insufficient to determine the role of this variant in disease. Therefore, it has been classified as a Variant of Uncertain Significance.

GeneDx
Classification: Uncertain significance. Last evaluated: 2024-10-23. Review status: criteria provided, single submitter. Criteria: GeneDx Variant Classification Process June 2021. Collection method: clinical testing. Allele origin: germline. Affected: yes.
Comment: Not observed at significant frequency in large population cohorts (gnomAD); In silico analysis indicates that this missense variant does not alter protein structure/function; Has not been previously published as pathogenic or benign to our knowledge

NM_152296.5(ATP1A3):c.2647C>A (p.Arg883Ser)

Gene: ATP1A3 (ATPase Na+/K+ transporting subunit alpha 3; minus strand). Cytogenetic location: 19q13.2.
Variant type: single nucleotide variant.
Coding change: c.2647C>A on transcript NM_152296.5 (MANE Select); coding-DNA position 2647, C replaced by A.
Protein change: p.Arg883Ser; replaces arginine 883 with serine.
Molecular consequence: missense variant.
Genome position (GRCh38, 1-based): chr19:41,969,476, G>T on the plus strand (C>A on the coding strand, the complement: ATP1A3 is on the minus strand). VCF-style: chr19-41969476-G-T. GRCh37 (hg19) VCF-style: chr19-42473628-G-T.
Other names: c.2680C>A, p.Arg894Ser (NM_001256213.2); c.2686C>A, p.Arg896Ser (NM_001256214.2); c.2647C>A (NM_152296.4); short protein forms R896S, R883S, R894S.
Identifiers: ClinVar variation 2798961 (VCV002798961.4), dbSNP rs1555859299, ClinGen allele CA406037822.